The following is an entry in ClinVar:

ClinVar aggregate classification (germline): Uncertain significance (1 of 4 stars; one submission).

Conditions:
Frontotemporal dementia and/or amyotrophic lateral sclerosis 4. Also called: FTDALS4. Identifiers: Orphanet 275872, MedGen C4225325, MONDO:0014641, OMIM 616439.

Submission:

Labcorp Genetics (formerly Invitae), Labcorp
Classification: Uncertain significance for Frontotemporal dementia and/or amyotrophic lateral sclerosis 4. Last evaluated: 2023-09-11. Review status: criteria provided, single submitter. Criteria: Invitae Variant Classification Sherloc (09022015). Collection method: clinical testing. Allele origin: germline.
Comment: Experimental studies have shown that this missense change does not substantially affect TBK1 function (PMID: 28008748). Advanced modeling of protein sequence and biophysical properties (such as structural, functional, and spatial information, amino acid conservation, physicochemical variation, residue mobility, and thermodynamic stability) performed at Invitae indicates that this missense variant is not expected to disrupt TBK1 protein function. This missense change has been observed in individual(s) with clinical features of frontotemporal dementia (PMID: 28008748; Invitae). This variant is not present in population databases (gnomAD no frequency). This sequence change replaces valine, which is neutral and non-polar, with alanine, which is neutral and non-polar, at codon 265 of the TBK1 protein (p.Val265Ala). In summary, the available evidence is currently insufficient to determine the role of this variant in disease. Therefore, it has been classified as a Variant of Uncertain Significance.

Literature cited by the submitters: PubMed 28008748.

NM_013254.4(TBK1):c.794T>C (p.Val265Ala)

Gene: TBK1 (TANK binding kinase 1; plus strand). Cytogenetic location: 12q14.2.
Variant type: single nucleotide variant.
Coding change: c.794T>C on transcript NM_013254.4 (MANE Select); coding-DNA position 794, T replaced by C.
Protein change: p.Val265Ala; replaces valine 265 with alanine.
Molecular consequence: missense variant.
Genome position (GRCh38, 1-based): chr12:64,480,104, T>C. VCF-style: chr12-64480104-T-C. GRCh37 (hg19) VCF-style: chr12-64873884-T-C.
Other names: short protein forms V265A.
Identifiers: ClinVar variation 2910892 (VCV002910892.3), dbSNP rs2040753712, ClinGen allele CA385598696.